The following is an entry in ClinVar:

ClinVar aggregate classification (germline): Benign/Likely benign. Review status: criteria provided, multiple submitters, no conflicts (2 of 4 stars). 9 submissions from 9 submitters: Benign (7); Likely benign (2). Last evaluated 2026-02-04.

Conditions:
Primary ciliary dyskinesia. Also called: Ciliary dyskinesia. Identifiers: Orphanet 244, MedGen C0008780, MONDO:0016575, HP:0012265.

Allele frequency attached by ClinVar (database versions not stated): ESP Exome Variant Server 0.02774; gnomAD 0.05620 and 0.06214; TOPMed 0.07704; gnomAD exomes 0.12000; 1000 Genomes Project 30x 0.12664; 1000 Genomes Project 0.12879; ExAC 0.13530.

Submissions (9):

Labcorp Genetics (formerly Invitae), Labcorp
Classification: Benign for Primary ciliary dyskinesia. Last evaluated: 2026-02-04. Review status: criteria provided, single submitter. Criteria: Invitae Variant Classification Sherloc (09022015). Collection method: clinical testing. Allele origin: germline.

Blueprint Genetics
Classification: Likely benign. Last evaluated: 2024-11-28. Review status: criteria provided, single submitter. Criteria: ACMG Guidelines, 2015. Collection method: clinical testing. Allele origin: germline.

Mayo Clinic Laboratories, Mayo Clinic
Classification: Benign. Last evaluated: 2022-04-26. Review status: criteria provided, single submitter. Criteria: ACMG Guidelines, 2015. Collection method: clinical testing. Allele origin: germline. Observed: 25 variant alleles.

GeneDx
Classification: Benign. Last evaluated: 2018-07-05. Review status: criteria provided, single submitter. Criteria: GeneDx Variant Classification Process June 2021. Collection method: clinical testing. Allele origin: germline. Affected: yes.

Ambry Genetics
Classification: Benign for Primary ciliary dyskinesia. Last evaluated: 2016-07-15. Review status: criteria provided, single submitter. Criteria: Ambry Variant Classification Scheme 2023. Collection method: clinical testing. Allele origin: germline.

Laboratory for Molecular Medicine, Mass General Brigham Personalized Medicine
Classification: Benign. Last evaluated: 2016-03-28. Review status: criteria provided, single submitter. Criteria: LMM Criteria. Collection method: clinical testing. Allele origin: germline.
Comment: Variant identified in a genome or exome case(s) and assessed due to predicted null impact of the variant or pathogenic assertions in the literature or databases. Disclaimer: This variant has not undergone full assessment. The following are preliminary notes: Frequency

Eurofins Ntd Llc (ga)
Classification: Benign. Last evaluated: 2016-03-22. Review status: criteria provided, single submitter. Criteria: EGL Classification Definitions 2015. Collection method: clinical testing. Allele origin: germline. Observed: 1 variant allele, 1 heterozygote.

Breakthrough Genomics
Classification: Likely benign. Review status: criteria provided, single submitter. Criteria: ACMG Guidelines, 2015. Collection method: not provided. Allele origin: germline. Inheritance: Autosomal recessive inheritance. Affected: yes.

PreventionGenetics, part of Exact Sciences
Classification: Benign. Review status: criteria provided, single submitter. Criteria: ACMG Guidelines, 2015. Collection method: clinical testing. Allele origin: germline.

NM_001256715.2(DNAAF3):c.529G>A (p.Gly177Ser)

Genes: DNAAF3 (dynein axonemal assembly factor 3; minus strand), DNAAF3-AS1 (DNAAF3 antisense RNA 1; plus strand). Cytogenetic location: 19q13.42.
Variant type: single nucleotide variant.
Coding change: c.529G>A on transcript NM_001256715.2 (MANE Select); coding-DNA position 529, G replaced by A.
Protein change: p.Gly177Ser; replaces glycine 177 with serine.
Molecular consequence: missense variant.
Genome position (GRCh38, 1-based): chr19:55,161,777, C>T on the plus strand (G>A on the coding strand, the complement: DNAAF3 is on the minus strand). VCF-style: chr19-55161777-C-T. GRCh37 (hg19) VCF-style: chr19-55673145-C-T.
Other names: p.Gly245Ser; c.367G>A, p.Gly123Ser (NM_001256716.2); c.670G>A, p.Gly224Ser (NM_178837.4); c.733G>A, p.Gly245Ser (NM_001256714.1); short protein forms G224S, G245S, G177S, G123S.
Identifiers: ClinVar variation 257691 (VCV000257691.29), dbSNP rs58824375, ClinGen allele CA9668130.